The following is an entry in ClinVar:

ClinVar aggregate classification (germline): Uncertain significance (1 of 4 stars; one submission).

Conditions:
RYR2-related disorder. Also called: RYR2-related condition.

Submission:

PreventionGenetics, part of Exact Sciences
Classification: Uncertain significance for RYR2-related condition. Last evaluated: 2026-04-29. Review status: criteria provided, single submitter. Criteria: ACMG Guidelines, 2015. Collection method: clinical testing. Allele origin: germline.
Comment: The RYR2 c.12184G>A variant is predicted to result in the amino acid substitution p.Glu4062Lys. To our knowledge, this variant has not been reported in the literature or in a large population database (gnomAD), indicating this variant is rare. At this time, the clinical significance of this variant is uncertain due to the absence of conclusive functional and genetic evidence.

NM_001035.3(RYR2):c.12184G>A (p.Glu4062Lys)

Gene: RYR2 (ryanodine receptor 2; plus strand). Cytogenetic location: 1q43.
Variant type: single nucleotide variant.
Coding change: c.12184G>A on transcript NM_001035.3 (MANE Select); coding-DNA position 12184, G replaced by A.
Protein change: p.Glu4062Lys; replaces glutamic acid 4062 with lysine.
Molecular consequence: missense variant.
Genome position (GRCh38, 1-based): chr1:237,783,896, G>A. VCF-style: chr1-237783896-G-A. GRCh37 (hg19) VCF-style: chr1-237947196-G-A.
Other names: short protein forms E4062K.
Identifiers: ClinVar variation 4995693 (VCV004995693.1).
Genomic context (GRCh38, chr1:237,783,896, plus strand): 5'-GTCATTTCCAAGAGGGACTTCCACAAAGCGATGGAGAGCCATAAGCACTACACGCAGTCA[G>A]AAACGGAATTTCTTTTGTCTTGTGCGGAGACGGATGAGAATGAAACCCTCGACTACGAAG-3'
Protein context (NP_001026.2, residues 4052-4072): MESHKHYTQS[Glu4062Lys]TEFLLSCAET